The following is an entry in ClinVar:

ClinVar aggregate classification (germline): Likely benign. Review status: criteria provided, multiple submitters, no conflicts (2 of 4 stars). 2 submissions from 2 submitters: Likely benign (2). Last evaluated 2023-11-05.

Allele frequency attached by ClinVar (database versions not stated): TOPMed below 0.00001; ExAC 0.00001; gnomAD exomes 0.00001 and below 0.00001; gnomAD 0.00001 and 0.00002.
gnomAD v4.1: 10 of 1,613,876 alleles (0.00062%); highest among the groups gnomAD compares: East Asian, 0.013%; no homozygotes.

Submissions (2):

Labcorp Genetics (formerly Invitae), Labcorp
Classification: Likely benign. Last evaluated: 2023-11-05. Review status: criteria provided, single submitter. Criteria: Invitae Variant Classification Sherloc (09022015). Collection method: clinical testing. Allele origin: germline.

Laboratory for Molecular Medicine, Mass General Brigham Personalized Medicine
Classification: Likely benign. Last evaluated: 2019-02-05. Review status: criteria provided, single submitter. Criteria: LMM Criteria. Collection method: clinical testing. Allele origin: germline. Observed: 1 variant allele.
Comment: The p.His1146His variant in CDH23 is classified as likely benign because it does not alter an amino acid residue, it is not located within the splice consensus sequence, and splice prediction algorithms do not predict a newly created splice site. ACMG/AMP Criteria applied: BP4, BP7.

NM_022124.6(CDH23):c.3438T>C (p.His1146=)

Genes: C10orf105 (chromosome 10 open reading frame 105; minus strand), CDH23 (cadherin related 23; plus strand). Cytogenetic location: 10q22.1.
Variant type: single nucleotide variant.
Coding change: c.3438T>C on transcript NM_022124.6 (MANE Select); coding-DNA position 3438, T replaced by C.
Protein change: p.His1146=; no amino-acid change (histidine 1146 retained).
Molecular consequence: synonymous variant. On other transcripts: intron variant (1).
Genome position (GRCh38, 1-based): chr10:71,725,379, T>C. VCF-style: chr10-71725379-T-C. GRCh37 (hg19) VCF-style: chr10-73485136-T-C.
Other names: c.3438T>C, p.His1146= (NM_001171930.2); c.-5-9037A>G (NM_001168390.2).
Identifiers: ClinVar variation 666665 (VCV000666665.14), dbSNP rs775496154, ClinGen allele CA5544732.